The following is an entry in ClinVar:

NM_001144967.3(NEDD4L):c.297+4347C>T

Gene: NEDD4L (NEDD4 like E3 ubiquitin protein ligase; plus strand). Cytogenetic location: 18q21.31.
Variant type: single nucleotide variant.
Coding change: c.297+4347C>T on transcript NM_001144967.3 (MANE Select); 4347 bases into the intron after coding-DNA position 297, C replaced by T.
Molecular consequence: intron variant.
Genome position (GRCh38, 1-based): chr18:58,256,401, C>T. VCF-style: chr18-58256401-C-T. GRCh37 (hg19) VCF-style: chr18-55923633-C-T.
Other names: c.297+4347C>T (NM_015277.6, NM_001243960.2); c.-67+4347C>T (NM_001144964.1, NM_001144971.2, NM_001144965.2 and 2 more transcripts); c.273+4347C>T (NM_001144968.2, NM_001144969.2).
Identifiers: ClinVar variation 2648762 (VCV002648762.24), dbSNP rs889850549, ClinGen allele CA301418984.

ClinVar aggregate classification (germline): Benign (1 of 4 stars; one submission).

Allele frequency attached by ClinVar (database versions not stated): gnomAD exomes 0.00001; TOPMed 0.00002; gnomAD 0.00005.
gnomAD v4.1: 23 of 1,232,214 alleles (0.0019%); highest among the groups gnomAD compares: East Asian, 0.047%; no homozygotes.

Submission:

CeGaT Center for Human Genetics Tuebingen
Classification: Benign. Last evaluated: 2022-03-01. Review status: criteria provided, single submitter. Criteria: CeGaT Center For Human Genetics Tuebingen Variant Classification Criteria Version 2. Collection method: clinical testing. Allele origin: germline. Affected: yes. Observed: 1 variant allele.
Comment: NEDD4L: BS1, BS2